The following is an entry in ClinVar:

NM_014679.5(CEP57):c.605T>A (p.Met202Lys)

Gene: CEP57 (centrosomal protein 57; plus strand). Cytogenetic location: 11q21.
Variant type: single nucleotide variant.
Coding change: c.605T>A on transcript NM_014679.5 (MANE Select); coding-DNA position 605, T replaced by A.
Protein change: p.Met202Lys; replaces methionine 202 with lysine.
Molecular consequence: missense variant.
Genome position (GRCh38, 1-based): chr11:95,817,887, T>A. VCF-style: chr11-95817887-T-A. GRCh37 (hg19) VCF-style: chr11-95551051-T-A.
Other names: c.578T>A, p.Met193Lys (NM_001243776.2); c.605T>A, p.Met202Lys (NM_001243777.2); c.524T>A, p.Met175Lys (NM_001363604.2); short protein forms M193K, M202K, M175K.
Identifiers: ClinVar variation 2913232 (VCV002913232.3), dbSNP rs758501924, ClinGen allele CA6239531.

ClinVar aggregate classification (germline): Uncertain significance (1 of 4 stars; one submission).

Conditions:
Mosaic variegated aneuploidy syndrome 2 (MVA2). Identifiers: Orphanet 1052, MedGen C3279843, MONDO:0013582, OMIM 614114.

Allele frequency attached by ClinVar (database versions not stated): gnomAD exomes below 0.00001; ExAC 0.00001; gnomAD 0.00001.
gnomAD v4.1: 2 of 1,608,316 alleles (0.00012%); highest among the groups gnomAD compares: East Asian, 0.0045%; no homozygotes.

Submission:

Labcorp Genetics (formerly Invitae), Labcorp
Classification: Uncertain significance for Mosaic variegated aneuploidy syndrome 2. Last evaluated: 2023-09-10. Review status: criteria provided, single submitter. Criteria: Invitae Variant Classification Sherloc (09022015). Collection method: clinical testing. Allele origin: germline.
Comment: In summary, the available evidence is currently insufficient to determine the role of this variant in disease. Therefore, it has been classified as a Variant of Uncertain Significance. Advanced modeling of protein sequence and biophysical properties (such as structural, functional, and spatial information, amino acid conservation, physicochemical variation, residue mobility, and thermodynamic stability) performed at Invitae indicates that this missense variant is not expected to disrupt CEP57 protein function. This variant has not been reported in the literature in individuals affected with CEP57-related conditions. This variant is present in population databases (rs758501924, gnomAD 0.01%). This sequence change replaces methionine, which is neutral and non-polar, with lysine, which is basic and polar, at codon 202 of the CEP57 protein (p.Met202Lys).